The following is an entry in ClinVar:

ClinVar aggregate classification (germline): Conflicting classifications of pathogenicity. Review status: criteria provided, conflicting classifications (1 of 4 stars). 2 submissions from 2 submitters: Uncertain significance (1); Benign (1). Last evaluated 2024-08-26.

Conditions:
Developmental and epileptic encephalopathy, 36 (DEE36). Also called: ALG13-CDG; Congenital disorder of glycosylation, type Is; Epileptic encephalopathy, early infantile, 36. Identifiers: Orphanet 324422, MedGen C4317295, MONDO:0010472, OMIM 300884.

Allele frequency attached by ClinVar (database versions not stated): TOPMed 0.00006; gnomAD exomes 0.00011 and 0.00006; ExAC 0.00008; gnomAD 0.00010 and 0.00009.
gnomAD v4.1: 79 of 1,209,843 alleles (0.0065%); highest among the groups gnomAD compares: Non-Finnish European, 0.0026%; no homozygotes.

Submissions (2):

Labcorp Genetics (formerly Invitae), Labcorp
Classification: Benign for Developmental and epileptic encephalopathy, 36. Last evaluated: 2024-08-26. Review status: criteria provided, single submitter. Criteria: Invitae Variant Classification Sherloc (09022015). Collection method: clinical testing. Allele origin: germline.

GeneDx
Classification: Uncertain significance. Last evaluated: 2023-08-11. Review status: criteria provided, single submitter. Criteria: GeneDx Variant Classification Process June 2021. Collection method: clinical testing. Allele origin: germline. Affected: yes.
Comment: In silico analysis supports that this missense variant has a deleterious effect on protein structure/function; Has not been previously published as pathogenic or benign to our knowledge

NM_001099922.3(ALG13):c.2309G>A (p.Gly770Glu)

Gene: ALG13 (ALG13 UDP-N-acetylglucosaminyltransferase subunit; plus strand). Cytogenetic location: Xq23.
Variant type: single nucleotide variant.
Coding change: c.2309G>A on transcript NM_001099922.3 (MANE Select); coding-DNA position 2309, G replaced by A.
Protein change: p.Gly770Glu; replaces glycine 770 with glutamic acid.
Molecular consequence: missense variant. On other transcripts: non-coding transcript variant (1).
Genome position (GRCh38, 1-based): chrX:111,728,246, G>A. VCF-style: chrX-111728246-G-A. GRCh37 (hg19) VCF-style: chrX-110971474-G-A.
Other names: c.1997G>A, p.Gly666Glu (NM_001257230.2, NM_001257234.2, NM_001257237.2); c.2075G>A, p.Gly692Glu (NM_001257231.2); c.2309G>A, p.Gly770Glu (NM_001324292.2); c.1823G>A, p.Gly608Glu (NM_001324293.1); short protein forms G770E, G608E, G666E, G692E.
Identifiers: ClinVar variation 384630 (VCV000384630.12), dbSNP rs751478782, ClinGen allele CA10493860.